The following is an entry in ClinVar:

ClinVar aggregate classification (germline): Uncertain significance (1 of 4 stars; one submission).

Conditions:
Immunodeficiency, common variable, 10. Also called: IMMUNODEFICIENCY, COMMON VARIABLE, WITH CENTRAL ADRENAL INSUFFICIENCY; DEFICIT IN ANTERIOR PITUITARY FUNCTION AND VARIABLE IMMUNODEFICIENCY. Identifiers: MedGen C3809991, MONDO:0014260, OMIM 615577.

Allele frequency attached by ClinVar (database versions not stated): TOPMed below 0.00001.
gnomAD v4.1: 8 of 1,601,340 alleles (0.0005%); highest among the groups gnomAD compares: Non-Finnish European, 0.00068%; no homozygotes.

Submission:

Labcorp Genetics (formerly Invitae), Labcorp
Classification: Uncertain significance for Immunodeficiency, common variable, 10. Last evaluated: 2022-09-27. Review status: criteria provided, single submitter. Criteria: Invitae Variant Classification Sherloc (09022015). Collection method: clinical testing. Allele origin: germline.
Comment: This sequence change replaces glycine, which is neutral and non-polar, with arginine, which is basic and polar, at codon 365 of the NFKB2 protein (p.Gly365Arg). This variant is not present in population databases (gnomAD no frequency). This variant has not been reported in the literature in individuals affected with NFKB2-related conditions. ClinVar contains an entry for this variant (Variation ID: 1368487). Algorithms developed to predict the effect of missense changes on protein structure and function are either unavailable or do not agree on the potential impact of this missense change (SIFT: "Deleterious"; PolyPhen-2: "Benign"; Align-GVGD: "Class C0"). In summary, the available evidence is currently insufficient to determine the role of this variant in disease. Therefore, it has been classified as a Variant of Uncertain Significance.

NM_001322934.2(NFKB2):c.1093G>A (p.Gly365Arg)

Gene: NFKB2 (nuclear factor kappa B subunit 2; plus strand). Cytogenetic location: 10q24.32.
Variant type: single nucleotide variant.
Coding change: c.1093G>A on transcript NM_001322934.2 (MANE Select); coding-DNA position 1093, G replaced by A.
Protein change: p.Gly365Arg; replaces glycine 365 with arginine.
Molecular consequence: missense variant. On other transcripts: intron variant (1).
Genome position (GRCh38, 1-based): chr10:102,398,840, G>A. VCF-style: chr10-102398840-G-A. GRCh37 (hg19) VCF-style: chr10-104158597-G-A.
Other names: c.1093G>A, p.Gly365Arg (NM_001077494.3, NM_001261403.3, NM_001288724.1 and 1 more transcripts); c.991+317G>A (NM_001322935.1); short protein forms G365R.
Identifiers: ClinVar variation 1368487 (VCV001368487.8), dbSNP rs1425541702, ClinGen allele CA377898218.
Genomic context (GRCh38, chr10:102,398,840, plus strand): 5'-ACCTTCTCCCAGCCCTTCGGGGGTGGCTCCCACATGGGTGGAGGCTCTGGGGGTGCAGCC[G>A]GGGGCTACGGAGGAGCTGGAGGAGGTGAGGGGGTACTGATGGAGGGAGGGGTAAAGGTAA-3'
Protein context (NP_001309863.1, residues 355-375): HMGGGSGGAA[Gly365Arg]GYGGAGGGGS